The following is an entry in ClinVar:

NM_001197104.2(KMT2A):c.7704_7705delinsTC (p.Gly2569Arg)

Gene: KMT2A (lysine methyltransferase 2A; plus strand). Cytogenetic location: 11q23.3.
Variant type: Indel.
Coding change: c.7704_7705delinsTC on transcript NM_001197104.2 (MANE Select); coding-DNA positions 7704 to 7705, AG replaced by TC.
Protein change: p.Gly2569Arg; replaces glycine 2569 with arginine.
Molecular consequence: missense variant.
Genome position (GRCh38, 1-based): chr11:118,503,596-118,503,597, AG replaced by TC. VCF-style: chr11-118503596-AG-TC. GRCh37 (hg19) VCF-style: chr11-118374311-AG-TC.
Other names: c.7794_7795delinsTC, p.Gly2599Arg (NM_001412597.1); c.7695_7696delinsTC, p.Gly2566Arg (NM_005933.4); short protein forms G2569R, G2599R, G2566R.
Identifiers: ClinVar variation 4771106 (VCV004771106.1).

ClinVar aggregate classification (germline): Uncertain significance (1 of 4 stars; one submission).

Submission:

Labcorp Genetics (formerly Invitae), Labcorp
Classification: Uncertain significance. Last evaluated: 2025-03-17. Review status: criteria provided, single submitter. Criteria: Invitae Variant Classification Sherloc (09022015). Collection method: clinical testing. Allele origin: germline.
Comment: This sequence change replaces glycine, which is neutral and non-polar, with arginine, which is basic and polar, at codon 2569 of the KMT2A protein (p.Gly2569Arg). Information on the frequency of this variant in the gnomAD database is not available, as this variant may be reported differently in the database. This variant has not been reported in the literature in individuals affected with KMT2A-related conditions. Experimental studies and prediction algorithms are not available or were not evaluated, and the functional significance of this variant is currently unknown. In summary, the available evidence is currently insufficient to determine the role of this variant in disease. Therefore, it has been classified as a Variant of Uncertain Significance.